The following is an entry in ClinVar:

NM_000606.3(C8G):c.586G>A (p.Val196Ile)

Gene: C8G (complement C8 gamma chain; plus strand). Cytogenetic location: 9q34.3.
Variant type: single nucleotide variant.
Coding change: c.586G>A on transcript NM_000606.3 (MANE Select); coding-DNA position 586, G replaced by A.
Protein change: p.Val196Ile; replaces valine 196 with isoleucine.
Molecular consequence: missense variant.
Genome position (GRCh38, 1-based): chr9:136,946,680, G>A. VCF-style: chr9-136946680-G-A. GRCh37 (hg19) VCF-style: chr9-139841132-G-A.
Other names: c.586G>A (NM_000606.2); short protein forms V196I.
Identifiers: ClinVar variation 1285063 (VCV001285063.29), dbSNP rs150744928, ClinGen allele CA5351775.

ClinVar aggregate classification (germline): Likely benign. Review status: criteria provided, multiple submitters, no conflicts (2 of 4 stars). 6 submissions from 6 submitters: Likely benign (3). 3 of the submissions do not count toward it. Last evaluated 2024-11-18.

Conditions:
C8G-related disorder. Also called: C8G-related condition.

Allele frequency attached by ClinVar (database versions not stated): 1000 Genomes Project 30x 0.00062; 1000 Genomes Project 0.00080; gnomAD 0.00146 and 0.00147; TOPMed 0.00159; ESP Exome Variant Server 0.00177.
gnomAD v4.1: 2,680 of 1,612,580 alleles (0.17%); highest among the groups gnomAD compares: Middle Eastern, 0.38%; 12 homozygotes.

Submissions (6):

Blueprint Genetics
Classification: Likely benign. Last evaluated: 2024-11-18. Review status: criteria provided, single submitter. Criteria: ACMG Guidelines, 2015. Collection method: clinical testing. Allele origin: germline.

CeGaT Center for Human Genetics Tuebingen
Classification: Likely benign. Last evaluated: 2022-11-01. Review status: criteria provided, single submitter. Criteria: CeGaT Center For Human Genetics Tuebingen Variant Classification Criteria Version 2. Collection method: clinical testing. Allele origin: germline. Affected: yes. Observed: 1 variant allele.
Comment: C8G: BP4, BS2

Breakthrough Genomics
Classification: Likely benign. Review status: criteria provided, single submitter. Criteria: ACMG Guidelines, 2015. Collection method: not provided. Allele origin: germline. Inheritance: Unknown mechanism. Affected: yes.

PreventionGenetics, part of Exact Sciences
Classification: Likely benign for C8G-related condition. Last evaluated: 2023-02-09. Review status: no assertion criteria provided. Collection method: clinical testing. Allele origin: germline. Not counted in ClinVar's aggregate classification.
Comment: This variant is classified as likely benign based on ACMG/AMP sequence variant interpretation guidelines (Richards et al. 2015 PMID: 25741868, with internal and published modifications).

Clinical Genetics DNA and cytogenetics Diagnostics Lab, Erasmus MC, Erasmus Medical Center
Classification: Likely benign. Review status: no assertion criteria provided. Collection method: clinical testing. Allele origin: germline. Affected: yes. Study: VKGL Data-share Consensus. Not counted in ClinVar's aggregate classification.

Genome Diagnostics Laboratory, University Medical Center Utrecht
Classification: Likely benign. Review status: no assertion criteria provided. Collection method: clinical testing. Allele origin: germline. Affected: yes. Study: VKGL Data-share Consensus. Not counted in ClinVar's aggregate classification.